The following is an entry in ClinVar:

NM_000334.4(SCN4A):c.4894A>T (p.Thr1632Ser)

Genes: GH-LCR (growth hormone locus control region; plus strand), SCN4A (sodium voltage-gated channel alpha subunit 4; minus strand). Cytogenetic location: 17q23.3.
Variant type: single nucleotide variant.
Coding change: c.4894A>T on transcript NM_000334.4 (MANE Select); coding-DNA position 4894, A replaced by T.
Protein change: p.Thr1632Ser; replaces threonine 1632 with serine.
Molecular consequence: missense variant.
Genome position (GRCh38, 1-based): chr17:63,941,388, T>A on the plus strand (A>T on the coding strand, the complement: SCN4A is on the minus strand). VCF-style: chr17-63941388-T-A. GRCh37 (hg19) VCF-style: chr17-62018748-T-A.
Other names: short protein forms T1632S.
Identifiers: ClinVar variation 2145896 (VCV002145896.7), dbSNP rs1377336175, ClinGen allele CA400614593.
Genomic context (GRCh38, chr17:63,941,388, plus strand): 5'-TCAGCGGTTCCTGCAGGGTGTCCACGAAGTCTGAGAGGCGGCTGTAGGCGATGAACTGGG[T>A]GGCGTCGGGGTCGAACTTCTCCCATGTCTCGTAGAACATCTCAAAGTCATCTTCACCAAG-3'
Protein context (NP_000325.4, residues 1622-1642): ETWEKFDPDA[Thr1632Ser]QFIAYSRLSD

ClinVar aggregate classification (germline): Uncertain significance. Review status: criteria provided, multiple submitters, no conflicts (2 of 4 stars). 2 submissions from 2 submitters: Uncertain significance (2). Last evaluated 2023-01-02.

Conditions:
Hyperkalemic periodic paralysis. Also called: Familial hyperkalemic periodic paralysis; Gamstorp disease. Identifiers: Orphanet 682, MedGen C0238357, MONDO:0008224, OMIM 170500, HP:0007215.

Allele frequency attached by ClinVar (database versions not stated): gnomAD exomes 0.00001.
gnomAD v4.1: 9 of 1,613,816 alleles (0.00056%); highest among the groups gnomAD compares: Non-Finnish European, 0.00076%; no homozygotes.

Submissions (2):

Revvity Omics, Revvity
Classification: Uncertain significance. Last evaluated: 2023-01-02. Review status: criteria provided, single submitter. Criteria: ACMG Guidelines, 2015. Collection method: clinical testing. Allele origin: germline.

Labcorp Genetics (formerly Invitae), Labcorp
Classification: Uncertain significance for Hyperkalemic periodic paralysis. Last evaluated: 2022-05-25. Review status: criteria provided, single submitter. Criteria: Invitae Variant Classification Sherloc (09022015). Collection method: clinical testing. Allele origin: germline.
Comment: This variant is present in population databases (no rsID available, gnomAD 0.0009%). This sequence change replaces threonine, which is neutral and polar, with serine, which is neutral and polar, at codon 1632 of the SCN4A protein (p.Thr1632Ser). This variant has not been reported in the literature in individuals affected with SCN4A-related conditions. In summary, the available evidence is currently insufficient to determine the role of this variant in disease. Therefore, it has been classified as a Variant of Uncertain Significance. Algorithms developed to predict the effect of missense changes on protein structure and function are either unavailable or do not agree on the potential impact of this missense change (SIFT: "Deleterious"; PolyPhen-2: "Benign"; Align-GVGD: "Class C55").